The following is an entry in ClinVar:

ClinVar aggregate classification (germline): Uncertain significance. Review status: criteria provided, multiple submitters, no conflicts (2 of 4 stars). 2 submissions from 2 submitters: Uncertain significance (2). Last evaluated 2025-06-22.

Conditions:
Dystonic disorder. Also called: Dystonia. Identifiers: MedGen C0013421, MONDO:0003441, HP:0001332.

Allele frequency attached by ClinVar (database versions not stated): gnomAD exomes 0.00003; ExAC 0.00003; TOPMed 0.00004; gnomAD 0.00005.
gnomAD v4.1: 53 of 1,598,186 alleles (0.0033%); highest among the groups gnomAD compares: Non-Finnish European, 0.0043%; no homozygotes.

Submissions (2):

Ambry Genetics
Classification: Uncertain significance. Last evaluated: 2025-06-22. Review status: criteria provided, single submitter. Criteria: Ambry Variant Classification Scheme 2023. Collection method: clinical testing. Allele origin: germline.

Labcorp Genetics (formerly Invitae), Labcorp
Classification: Uncertain significance for Dystonic disorder. Last evaluated: 2023-10-05. Review status: criteria provided, single submitter. Criteria: Invitae Variant Classification Sherloc (09022015). Collection method: clinical testing. Allele origin: germline.
Comment: This sequence change replaces serine, which is neutral and polar, with proline, which is neutral and non-polar, at codon 772 of the CIZ1 protein (p.Ser772Pro). This variant is present in population databases (rs201027257, gnomAD 0.008%). This variant has not been reported in the literature in individuals affected with CIZ1-related conditions. ClinVar contains an entry for this variant (Variation ID: 2065267). An algorithm developed to predict the effect of missense changes on protein structure and function (PolyPhen-2) suggests that this variant is likely to be tolerated. In summary, the available evidence is currently insufficient to determine the role of this variant in disease. Therefore, it has been classified as a Variant of Uncertain Significance.

NM_001131016.2(CIZ1):c.2314T>C (p.Ser772Pro)

Gene: CIZ1 (CDKN1A interacting zinc finger protein 1; minus strand). Cytogenetic location: 9q34.11.
Variant type: single nucleotide variant.
Coding change: c.2314T>C on transcript NM_001131016.2 (MANE Select); coding-DNA position 2314, T replaced by C.
Protein change: p.Ser772Pro; replaces serine 772 with proline.
Molecular consequence: missense variant.
Genome position (GRCh38, 1-based): chr9:128,167,146, A>G on the plus strand (T>C on the coding strand, the complement: CIZ1 is on the minus strand). VCF-style: chr9-128167146-A-G. GRCh37 (hg19) VCF-style: chr9-130929425-A-G.
Other names: c.2314T>C (NM_012127.2); c.2146T>C, p.Ser716Pro (NM_001131015.2); c.2131T>C, p.Ser711Pro (NM_001131017.2); c.2074T>C, p.Ser692Pro (NM_001131018.2); c.2482T>C, p.Ser828Pro (NM_001257975.2); c.2011T>C, p.Ser671Pro (NM_001257976.2); c.2314T>C, p.Ser772Pro (NM_012127.3); short protein forms S671P, S716P, S692P, S711P, S772P, S828P.
Identifiers: ClinVar variation 2065267 (VCV002065267.7), dbSNP rs201027257, ClinGen allele CA5257042.
Genomic context (GRCh38, chr9:128,167,146, plus strand): 5'-GGGCCTTACCATATGCAGTATTGGGGCTGTAGGTCTCCGAGCCCTTCCACTCCTCTCTGG[A>G]TATATCTCTGGACCTCACCTGAAAACATGCAAGTGTGGGCCTCGGATCTGGCTTCCCCTT-3'
Protein context (NP_001124488.1, residues 762-782): LCKQVRSRDI[Ser772Pro]REEWKGSETY